The following is an entry in ClinVar:

ClinVar aggregate classification (germline): Benign/Likely benign. Review status: criteria provided, multiple submitters, no conflicts (2 of 4 stars). 5 submissions from 5 submitters: Benign (1); Likely benign (4). Last evaluated 2026-01-14.

Conditions:
Cardiovascular phenotype. Identifiers: MedGen CN230736.
Dilated cardiomyopathy 1JJ (CMD1JJ). Identifiers: Orphanet 154, MedGen C3808935, MONDO:0014095, OMIM 615235.

Allele frequency attached by ClinVar (database versions not stated): gnomAD 0.00002 and 0.00021; TOPMed 0.00006; gnomAD exomes 0.00033 and 0.00066; ExAC 0.00072; 1000 Genomes Project 0.00100; 1000 Genomes Project 30x 0.00109.
gnomAD v4.1: 526 of 1,613,268 alleles (0.033%); highest among the groups gnomAD compares: South Asian, 0.53%; 6 homozygotes.

Submissions (5):

Labcorp Genetics (formerly Invitae), Labcorp
Classification: Benign for Dilated cardiomyopathy 1JJ. Last evaluated: 2026-01-14. Review status: criteria provided, single submitter. Criteria: Invitae Variant Classification Sherloc (09022015). Collection method: clinical testing. Allele origin: germline.

Women's Health and Genetics/Laboratory Corporation of America, LabCorp
Classification: Likely benign. Last evaluated: 2024-10-06. Review status: criteria provided, single submitter. Criteria: LabCorp Variant Classification Summary - May 2015. Collection method: clinical testing. Allele origin: germline.

Ambry Genetics
Classification: Likely benign for Cardiovascular phenotype. Last evaluated: 2020-12-22. Review status: criteria provided, single submitter. Criteria: Ambry Variant Classification Scheme 2023. Collection method: clinical testing. Allele origin: germline.

GeneDx
Classification: Likely benign. Last evaluated: 2016-03-25. Review status: criteria provided, single submitter. Criteria: GeneDx Variant Classification (06012015). Collection method: clinical testing. Allele origin: germline. Affected: yes.
Comment: This variant is considered likely benign or benign based on one or more of the following criteria: it is a conservative change, it occurs at a poorly conserved position in the protein, it is predicted to be benign by multiple in silico algorithms, and/or has population frequency not consistent with disease.

Laboratory for Molecular Medicine, Mass General Brigham Personalized Medicine
Classification: Likely benign. Last evaluated: 2013-12-26. Review status: criteria provided, single submitter. Criteria: LMM Criteria. Collection method: clinical testing. Allele origin: germline. Observed: 2 variant alleles.
Comment: Ile656Thr in exon 16 of LAMA4: This variant is not expected to have clinical sig nificance due to a lack of conservation across species, including mammals. Of no te, 3 mammals (opossum, Tasmanian devil, and wallaby) and parrot have a threonin e (Thr) at this position despite high nearby amino acid conservation. In additio n, computational analyses (AlignGVGD, PolyPhen2, SIFT) do not suggest a high lik elihood of impact to the protein.

NM_001105206.3(LAMA4):c.1988T>C (p.Ile663Thr)

Gene: LAMA4 (laminin subunit alpha 4; minus strand). Cytogenetic location: 6q21.
Variant type: single nucleotide variant.
Coding change: c.1988T>C on transcript NM_001105206.3 (MANE Select); coding-DNA position 1988, T replaced by C.
Protein change: p.Ile663Thr; replaces isoleucine 663 with threonine.
Molecular consequence: missense variant.
Genome position (GRCh38, 1-based): chr6:112,154,919, A>G on the plus strand (T>C on the coding strand, the complement: LAMA4 is on the minus strand). VCF-style: chr6-112154919-A-G. GRCh37 (hg19) VCF-style: chr6-112476121-A-G.
Other names: c.1967T>C, p.Ile656Thr (NM_001105207.3, NM_002290.5); short protein forms I656T, I663T.
Identifiers: ClinVar variation 179474 (VCV000179474.16), dbSNP rs538726706, ClinGen allele CA184494.
Genomic context (GRCh38, chr6:112,154,919, plus strand): 5'-GCCTTTGCTTGCAGTTCTCTGGCTTGATTGAGGAGGTTCTCACTTTCATCTTTATGGTAA[A>G]TGATTTGAGTATCAATCCCACTCACCGCCTACAAAGGAATTGAGAGAAGAGGGTAAAAAT-3'
Protein context (NP_001098676.2, residues 653-673): DAVSGIDTQI[Ile663Thr]YHKDESENLL